The following is an entry in ClinVar:

NM_004813.4(PEX16):c.574C>T (p.Pro192Ser)

Gene: PEX16 (peroxisomal biogenesis factor 16; minus strand). Cytogenetic location: 11p11.2.
Variant type: single nucleotide variant.
Coding change: c.574C>T on transcript NM_004813.4 (MANE Select); coding-DNA position 574, C replaced by T.
Protein change: p.Pro192Ser; replaces proline 192 with serine.
Molecular consequence: missense variant.
Genome position (GRCh38, 1-based): chr11:45,914,436, G>A on the plus strand (C>T on the coding strand, the complement: PEX16 is on the minus strand). VCF-style: chr11-45914436-G-A. GRCh37 (hg19) VCF-style: chr11-45935987-G-A.
Other names: c.574C>T, p.Pro192Ser (NM_057174.3); short protein forms P192S.
Identifiers: ClinVar variation 1965140 (VCV001965140.2), dbSNP rs1424342604, ClinGen allele CA380227138.

ClinVar aggregate classification (germline): Uncertain significance (1 of 4 stars; one submission).

Conditions:
Peroxisome biogenesis disorder. Identifiers: Orphanet 79189, MedGen C1832200, MONDO:0019234. Disease mechanism: loss of function.

Allele frequency attached by ClinVar (database versions not stated): gnomAD exomes below 0.00001; gnomAD 0.00001; TOPMed 0.00001.
gnomAD v4.1: 4 of 1,608,582 alleles (0.00025%); highest among the groups gnomAD compares: Admixed American, 0.005%; no homozygotes.

Submission:

Labcorp Genetics (formerly Invitae), Labcorp
Classification: Uncertain significance for Peroxisome biogenesis disorder. Last evaluated: 2022-07-26. Review status: criteria provided, single submitter. Criteria: Invitae Variant Classification Sherloc (09022015). Collection method: clinical testing. Allele origin: germline.
Comment: This sequence change replaces proline, which is neutral and non-polar, with serine, which is neutral and polar, at codon 192 of the PEX16 protein (p.Pro192Ser). The frequency data for this variant in the population databases is considered unreliable, as metrics indicate poor data quality at this position in the gnomAD database. This variant has not been reported in the literature in individuals affected with PEX16-related conditions. Algorithms developed to predict the effect of missense changes on protein structure and function are either unavailable or do not agree on the potential impact of this missense change (SIFT: "Tolerated"; PolyPhen-2: "Probably Damaging"; Align-GVGD: "Class C0"). In summary, the available evidence is currently insufficient to determine the role of this variant in disease. Therefore, it has been classified as a Variant of Uncertain Significance.